The following is an entry in ClinVar:

NM_000429.3(MAT1A):c.959A>C (p.Tyr320Ser)

Gene: MAT1A (methionine adenosyltransferase 1A; minus strand). Cytogenetic location: 10q22.3.
Variant type: single nucleotide variant.
Coding change: c.959A>C on transcript NM_000429.3 (MANE Select); coding-DNA position 959, A replaced by C.
Protein change: p.Tyr320Ser; replaces tyrosine 320 with serine.
Molecular consequence: missense variant.
Genome position (GRCh38, 1-based): chr10:80,274,646, T>G on the plus strand (A>C on the coding strand, the complement: MAT1A is on the minus strand). VCF-style: chr10-80274646-T-G. GRCh37 (hg19) VCF-style: chr10-82034402-T-G.
Other names: short protein forms Y320S.
Identifiers: ClinVar variation 2816792 (VCV002816792.3), dbSNP rs913573257, ClinGen allele CA377360513.

ClinVar aggregate classification (germline): Uncertain significance (1 of 4 stars; one submission).

Conditions:
Hepatic methionine adenosyltransferase deficiency. Also called: Isolated Persistent Hypermethioninemia; Deficiency of methionine adenosyltransferase; Methionine adenosyltransferase deficiency; MAT I/III DEFICIENCY. Identifiers: Orphanet 168598, MedGen C0268621, MeSH C564683, MONDO:0009607, OMIM 250850.

Allele frequency attached by ClinVar (database versions not stated): TOPMed below 0.00001.

Submission:

Labcorp Genetics (formerly Invitae), Labcorp
Classification: Uncertain significance for Hepatic methionine adenosyltransferase deficiency. Last evaluated: 2022-12-22. Review status: criteria provided, single submitter. Criteria: Invitae Variant Classification Sherloc (09022015). Collection method: clinical testing. Allele origin: germline.
Comment: This sequence change replaces tyrosine, which is neutral and polar, with serine, which is neutral and polar, at codon 320 of the MAT1A protein (p.Tyr320Ser). This variant is not present in population databases (gnomAD no frequency). In summary, the available evidence is currently insufficient to determine the role of this variant in disease. Therefore, it has been classified as a Variant of Uncertain Significance. Advanced modeling of protein sequence and biophysical properties (such as structural, functional, and spatial information, amino acid conservation, physicochemical variation, residue mobility, and thermodynamic stability) performed at Invitae indicates that this missense variant is expected to disrupt MAT1A protein function. This variant has not been reported in the literature in individuals affected with MAT1A-related conditions.